The following is an entry in ClinVar:

NM_000288.4(PEX7):c.320A>G (p.Tyr107Cys)

Gene: PEX7 (peroxisomal biogenesis factor 7; plus strand). Cytogenetic location: 6q23.3.
Variant type: single nucleotide variant.
Coding change: c.320A>G on transcript NM_000288.4 (MANE Select); coding-DNA position 320, A replaced by G.
Protein change: p.Tyr107Cys; replaces tyrosine 107 with cysteine.
Molecular consequence: missense variant.
Genome position (GRCh38, 1-based): chr6:136,826,450, A>G. VCF-style: chr6-136826450-A-G. GRCh37 (hg19) VCF-style: chr6-137147588-A-G.
Other names: c.206A>G, p.Tyr69Cys (NM_001410945.1); short protein forms Y107C, Y69C.
Identifiers: ClinVar variation 2146631 (VCV002146631.1), dbSNP rs545635665, ClinGen allele CA4017550.
Genomic context (GRCh38, chr6:136,826,450, plus strand): 5'-GTGGCGATGGCTCGCTGCAGCTCTGGGACACTGCCAAAGCTGCAGGGCCACTGCAAGTCT[A>G]TAAAGAACACGCTCAGGAGGTAGGAGGGAAATCTTTCTGGGCTGATTATTTTTCTTTCTT-3'
Protein context (NP_000279.1, residues 97-117): TAKAAGPLQV[Tyr107Cys]KEHAQEVYSV

ClinVar aggregate classification (germline): Uncertain significance (1 of 4 stars; one submission).

Conditions:
Peroxisome biogenesis disorder 9B. Also called: PEX7-Related Refsum Disease; Refsum disease, adult, 2; PEROXISOME BIOGENESIS DISORDER, PEX7-RELATED, ATYPICAL. Identifiers: Orphanet 773, MedGen C2749346, MONDO:0013945, OMIM 614879.

Allele frequency attached by ClinVar (database versions not stated): gnomAD exomes below 0.00001; TOPMed 0.00001; 1000 Genomes Project 0.00020; ExAC 0.00001; gnomAD 0.00002; 1000 Genomes Project 30x 0.00016.
gnomAD v4.1: 6 of 1,614,088 alleles (0.00037%); highest among the groups gnomAD compares: African/African-American, 0.0027%; no homozygotes.

Submission:

Labcorp Genetics (formerly Invitae), Labcorp
Classification: Uncertain significance for Peroxisome biogenesis disorder 9B. Last evaluated: 2022-07-23. Review status: criteria provided, single submitter. Criteria: Invitae Variant Classification Sherloc (09022015). Collection method: clinical testing. Allele origin: germline.
Comment: This sequence change replaces tyrosine, which is neutral and polar, with cysteine, which is neutral and slightly polar, at codon 107 of the PEX7 protein (p.Tyr107Cys). This variant is present in population databases (rs545635665, gnomAD 0.005%). This variant has not been reported in the literature in individuals affected with PEX7-related conditions. Algorithms developed to predict the effect of missense changes on protein structure and function (SIFT, PolyPhen-2, Align-GVGD) all suggest that this variant is likely to be disruptive. In summary, the available evidence is currently insufficient to determine the role of this variant in disease. Therefore, it has been classified as a Variant of Uncertain Significance.